The following is an entry in ClinVar:

ClinVar aggregate classification (germline): Uncertain significance (1 of 4 stars; one submission).

Conditions:
Charcot-Marie-Tooth disease axonal type 2P. Also called: Charcot-Marie-Tooth Neuropathy Type 2G; CHARCOT-MARIE-TOOTH NEUROPATHY, TYPE 2P; CHARCOT-MARIE-TOOTH DISEASE, AXONAL, TYPE 2G; CMT 2G. Identifiers: Orphanet 300319, Orphanet 99941, MedGen C3280797, MONDO:0013753, OMIM 614436.

Submission:

Labcorp Genetics (formerly Invitae), Labcorp
Classification: Uncertain significance for Charcot-Marie-Tooth disease axonal type 2P. Last evaluated: 2021-10-31. Review status: criteria provided, single submitter. Criteria: Invitae Variant Classification Sherloc (09022015). Collection method: clinical testing. Allele origin: germline.
Comment: This variant is not present in population databases (gnomAD no frequency). In summary, the available evidence is currently insufficient to determine the role of this variant in disease. Therefore, it has been classified as a Variant of Uncertain Significance. Algorithms developed to predict the effect of missense changes on protein structure and function (SIFT, PolyPhen-2, Align-GVGD) all suggest that this variant is likely to be disruptive. This variant has not been reported in the literature in individuals affected with LRSAM1-related conditions. This sequence change replaces histidine, which is basic and polar, with tyrosine, which is neutral and polar, at codon 692 of the LRSAM1 protein (p.His692Tyr).

NM_001005373.4(LRSAM1):c.2074C>T (p.His692Tyr)

Gene: LRSAM1 (leucine rich repeat and sterile alpha motif containing 1; plus strand). Cytogenetic location: 9q34.11.
Variant type: single nucleotide variant.
Coding change: c.2074C>T on transcript NM_001005373.4 (MANE Select); coding-DNA position 2074, C replaced by T.
Protein change: p.His692Tyr; replaces histidine 692 with tyrosine.
Molecular consequence: missense variant. On other transcripts: non-coding transcript variant (2).
Genome position (GRCh38, 1-based): chr9:127,502,801, C>T. VCF-style: chr9-127502801-C-T. GRCh37 (hg19) VCF-style: chr9-130265080-C-T.
Other names: c.2074C>T, p.His692Tyr (NM_001005374.4, NM_001384142.1, NM_138361.5); c.1993C>T, p.His665Tyr (NM_001190723.3); c.1975C>T, p.His659Tyr (NM_001384143.1); c.1285C>T, p.His429Tyr (NM_001384144.1); short protein forms H692Y, H665Y, H429Y, H659Y.
Identifiers: ClinVar variation 1438465 (VCV001438465.6), dbSNP rs1836445139, ClinGen allele CA374938638.
Genomic context (GRCh38, chr9:127,502,801, plus strand): 5'-GGCCAGCCACATGCTCCCGCTCTCCCTCCCCAGGCCCAGATGATCTTCCTCAACTGTGGC[C>T]ACGTCTGCTGCTGCCAGCAGTGCTGCCAGCCACTGCGCACCTGCCCGCTGTGCCGCCAGG-3'
Protein context (NP_001005373.1, residues 682-702): EAQMIFLNCG[His692Tyr]VCCCQQCCQP